The following is an entry in ClinVar:

ClinVar aggregate classification (germline): Uncertain significance (1 of 4 stars; one submission).

Conditions:
Familial adenomatous polyposis 1 (FAP1). Also called: FAMILIAL ADENOMATOUS POLYPOSIS 1, ATTENUATED; POLYPOSIS, ADENOMATOUS INTESTINAL. Identifiers: MedGen C2713442, MONDO:0021056, OMIM 175100. Disease mechanism: loss of function.

Submission:

Labcorp Genetics (formerly Invitae), Labcorp
Classification: Uncertain significance for Familial adenomatous polyposis 1. Last evaluated: 2018-10-15. Review status: criteria provided, single submitter. Criteria: Invitae Variant Classification Sherloc (09022015). Collection method: clinical testing. Allele origin: germline.
Comment: In summary, the available evidence is currently insufficient to determine the role of this variant in disease. Therefore, it has been classified as a Variant of Uncertain Significance. Experimental studies and prediction algorithms are not available for this variant, and the functional significance of the affected amino acid(s) is currently unknown. This variant has not been reported in the literature in individuals with APC-related disease. This variant is not present in population databases (ExAC no frequency). This variant, c.767_769delATG, results in the deletion of 1 amino acid(s) of the APC protein (p.Asp256del), but otherwise preserves the integrity of the reading frame.

NM_000038.6(APC):c.764ATG[1] (p.Asp256del)

Gene: APC (APC regulator of Wnt signaling pathway; plus strand). Cytogenetic location: 5q22.2.
Variant type: Microsatellite.
Coding change: c.764ATG[1] on transcript NM_000038.6 (MANE Select); one copy of the 3-base unit ATG starting at c.764; the reference has two copies in a row; one copy, 3 bases deleted.
Protein change: p.Asp256del; deletes aspartic acid 256.
Molecular consequence: inframe deletion. On other transcripts: 5 prime UTR variant (1).
Genome position (GRCh38, 1-based): chr5:112,801,316-112,801,318, ATG deleted; deleting any 3 consecutive bases within chr5:112,801,313-112,801,318 gives the same sequence; the position shown is the placement nearest the transcript's 3' end. VCF-style (leftmost placement, unchanged base first): chr5-112801312-CATG-C. GRCh37 (hg19) VCF-style: chr5-112137009-CATG-C.
Other names: c.764ATG[1], p.Asp256del (NM_001127510.3, NM_001354895.2, NM_001354896.2 and 1 more transcripts); c.710ATG[1], p.Asp238del (NM_001127511.3); c.794ATG[1], p.Asp266del (NM_001354897.2, NM_001354902.2); c.689ATG[1], p.Asp231del (NM_001354898.2, NM_001354904.2); c.680ATG[1], p.Asp228del (NM_001354899.2); c.587ATG[1], p.Asp197del (NM_001354900.2, NM_001354901.2, NM_001354905.2); c.-272ATG[1] (NM_001354906.2); short protein forms D197del, D256del, D238del, D266del, D228del, D231del.
Identifiers: ClinVar variation 663784 (VCV000663784.10), dbSNP rs1580454833, ClinGen allele CA915943464.
Genomic context (GRCh38, chr5:112,801,312, plus strand): 5'-GTACTGATGTTAACTCCATCTTAACAGAGGTCATCTCAGAACAAGCATGAAACCGGCTCA[CATG>C]ATGCTGAGCGGCAGAATGAAGGTCAAGGAGTGGGAGAAATCAACATGGCAACTTCTGGTA-3'